The following is an entry in ClinVar:

ClinVar aggregate classification (germline): Likely benign (0 of 4 stars; one submission).

Conditions:
ICE2-related disorder. Also called: ICE2-related condition.

Allele frequency attached by ClinVar (database versions not stated): 1000 Genomes Project 0.00080; 1000 Genomes Project 30x 0.00109; ESP Exome Variant Server 0.00154; TOPMed 0.00168; gnomAD 0.00194; ExAC 0.00195.
gnomAD v4.1: 3,304 of 1,614,100 alleles (0.2%); highest among the groups gnomAD compares: Admixed American, 0.32%; 7 homozygotes.

Submission:

PreventionGenetics, part of Exact Sciences
Classification: Likely benign for ICE2-related condition. Last evaluated: 2019-03-12. Review status: no assertion criteria provided. Collection method: clinical testing. Allele origin: germline.
Comment: This variant is classified as likely benign based on ACMG/AMP sequence variant interpretation guidelines (Richards et al. 2015 PMID: 25741868, with internal and published modifications).

NM_024611.6(ICE2):c.1463G>A (p.Gly488Glu)

Gene: ICE2 (interactor of little elongation complex ELL subunit 2; minus strand). Cytogenetic location: 15q22.2.
Variant type: single nucleotide variant.
Coding change: c.1463G>A on transcript NM_024611.6 (MANE Select); coding-DNA position 1463, G replaced by A.
Protein change: p.Gly488Glu; replaces glycine 488 with glutamic acid.
Molecular consequence: missense variant. On other transcripts: non-coding transcript variant (1).
Genome position (GRCh38, 1-based): chr15:60,449,504, C>T on the plus strand (G>A on the coding strand, the complement: ICE2 is on the minus strand). VCF-style: chr15-60449504-C-T. GRCh37 (hg19) VCF-style: chr15-60741703-C-T.
Other names: c.1052G>A, p.Gly351Glu (NM_001018089.3); short protein forms G351E, G488E.
Identifiers: ClinVar variation 3049232 (VCV003049232.2), dbSNP rs143271506, ClinGen allele CA7592956.
Genomic context (GRCh38, chr15:60,449,504, plus strand): 5'-AAGTCACTATCTTGTATCAAAGGCTTGTCAGAATTTGATACCTTTTCACATGATTCAAAT[C>T]CCTGATCATCTTTATTTTTGCATTCCTCAGGGCCACCATCCATACCAGTGACCAGCTGTT-3'
Protein context (NP_078887.2, residues 478-498): PEECKNKDDQ[Gly488Glu]FESCEKVSNS